The following is an entry in ClinVar:

NC_000010.10:g.(112404404_112540558)_(112599227_?)dup

Gene: RBM20 (RNA binding motif protein 20; plus strand). Cytogenetic location: 10q25.2.
Variant type: Duplication.
Identifiers: ClinVar variation 3336446 (VCV003336446.1).

ClinVar aggregate classification (germline): Uncertain significance (1 of 4 stars; one submission).

Submission:

Women's Health and Genetics/Laboratory Corporation of America, LabCorp
Classification: Uncertain significance. Last evaluated: 2024-05-22. Review status: criteria provided, single submitter. Criteria: LabCorp Variant Classification Summary - May 2015. Collection method: clinical testing. Allele origin: germline.
Comment: Variant summary: The variant involves the duplication of exons 2-14 in the RBM20 gene. A presumed nomenclature of c.(191+1_192-1)_(*3491_?)dup has been designated for the purposes of this classification. The exact breakpoint at the distal 3' end of this variant is unknown, therefore this deletion may extend downstream of the annotated region of the gene. As it encompasses the termination codon, it is predicted to escape nonsense mediated decay (NMD). The variant allele was found at a frequency of 8.3e-06 in 120780 control chromosomes in the gnomAD database (Structural Variants v4.0 dataset). The available data on variant occurrences in the general population are insufficient to allow any conclusion about variant significance. c.(191+1_192-1)_(*3491_?)dup has been reported in the literature in two siblings affected with cardiomyopathy, however in these cases a co-occurring nonsense variant in another gene could potentially explain the phenotype (Singer_2021). To our knowledge, no experimental evidence demonstrating an impact on protein function has been reported. The following publication have been ascertained in the context of this evaluation (PMID: 32973354). ClinVar contains an entry for this variant (Variation ID: 664455). Based on the evidence outlined above, the variant was classified as uncertain significance.

Literature cited by the submitters: PubMed 32973354.